The following is an entry in ClinVar:

NM_004360.5(CDH1):c.1503G>A (p.Val501=)

Gene: CDH1 (cadherin 1; plus strand). Cytogenetic location: 16q22.1.
Variant type: single nucleotide variant.
Coding change: c.1503G>A on transcript NM_004360.5 (MANE Select); coding-DNA position 1503, G replaced by A.
Protein change: p.Val501=; no amino-acid change (valine 501 retained).
Molecular consequence: synonymous variant. On other transcripts: 5 prime UTR variant (2).
Genome position (GRCh38, 1-based): chr16:68,815,697, G>A. VCF-style: chr16-68815697-G-A. GRCh37 (hg19) VCF-style: chr16-68849600-G-A.
Other names: c.1320G>A, p.Val440= (NM_001317184.2); c.-46G>A (NM_001317185.2); c.-317G>A (NM_001317186.2).
Identifiers: ClinVar variation 819401 (VCV000819401.17), dbSNP rs775290153, ClinGen allele CA8130085.
Genomic context (GRCh38, chr16:68,815,697, plus strand): 5'-TGAAGCCCCCATCTTTGTGCCTCCTGAAAAGAGAGTGGAAGTGTCCGAGGACTTTGGCGT[G>A]GGCCAGGAAATCACATCCTACACTGCCCAGGAGCCAGACACATTTATGGAACAGAAAATA-3'
Protein context (NP_004351.1, residues 491-511): KRVEVSEDFG[Val501=]GQEITSYTAQ

ClinVar aggregate classification (germline): Benign/Likely benign. Review status: criteria provided, multiple submitters, no conflicts (2 of 4 stars). 5 submissions from 5 submitters: Benign (1); Likely benign (4). Last evaluated 2024-09-19.

Conditions:
Hereditary cancer-predisposing syndrome. Also called: Hereditary Cancer Syndrome; Neoplastic Syndromes, Hereditary; Hereditary neoplastic syndrome; Tumor predisposition. Identifiers: Orphanet 140162, MedGen C0027672, MeSH D009386, MONDO:0015356.
Hereditary diffuse gastric adenocarcinoma (HDGC). Also called: DIFFUSE GASTRIC AND LOBULAR BREAST CANCER SYNDROME. Identifiers: Orphanet 26106, MedGen C1708349, MONDO:0007648, OMIM 137215.

Allele frequency attached by ClinVar (database versions not stated): gnomAD exomes below 0.00001; ExAC 0.00001; gnomAD 0.00001.
gnomAD v4.1: 3 of 1,614,076 alleles (0.00019%); highest among the groups gnomAD compares: Admixed American, 0.005%; no homozygotes.

Submissions (5):

Myriad Genetics, Inc.
Classification: Benign for Hereditary diffuse gastric adenocarcinoma. Last evaluated: 2024-09-19. Review status: criteria provided, single submitter. Criteria: Myriad Autosomal Dominant, Autosomal Recessive and X-Linked Classification Criteria (2023). Collection method: clinical testing. Allele origin: unknown.
Comment: This variant is considered benign. This variant is a silent/synonymous amino acid change and it is not expected to impact splicing.

Labcorp Genetics (formerly Invitae), Labcorp
Classification: Likely benign for Hereditary diffuse gastric adenocarcinoma. Last evaluated: 2024-02-19. Review status: criteria provided, single submitter. Criteria: Invitae Variant Classification Sherloc (09022015). Collection method: clinical testing. Allele origin: germline.

Quest Diagnostics Nichols Institute San Juan Capistrano
Classification: Likely benign. Last evaluated: 2023-08-18. Review status: criteria provided, single submitter. Criteria: Quest Diagnostics criteria. Collection method: clinical testing. Allele origin: unknown.

Women's Health and Genetics/Laboratory Corporation of America, LabCorp
Classification: Likely benign. Last evaluated: 2021-12-10. Review status: criteria provided, single submitter. Criteria: LabCorp Variant Classification Summary - May 2015. Collection method: clinical testing. Allele origin: germline.

Ambry Genetics
Classification: Likely benign for Hereditary cancer-predisposing syndrome. Last evaluated: 2019-07-01. Review status: criteria provided, single submitter. Criteria: Ambry Variant Classification Scheme 2023. Collection method: clinical testing. Allele origin: germline.